The following is an entry in ClinVar:

NM_003718.5(CDK13):c.194G>A (p.Gly65Asp)

Genes: CDK13 (cyclin dependent kinase 13; plus strand), LOC129998292 (ATAC-STARR-seq lymphoblastoid silent region 18115; plus strand). Cytogenetic location: 7p14.1.
Variant type: single nucleotide variant.
Coding change: c.194G>A on transcript NM_003718.5 (MANE Select); coding-DNA position 194, G replaced by A.
Protein change: p.Gly65Asp; replaces glycine 65 with aspartic acid.
Molecular consequence: missense variant.
Genome position (GRCh38, 1-based): chr7:39,950,835, G>A. VCF-style: chr7-39950835-G-A. GRCh37 (hg19) VCF-style: chr7-39990434-G-A.
Other names: c.194G>A, p.Gly65Asp (NM_031267.4); short protein forms G65D.
Identifiers: ClinVar variation 3235842 (VCV003235842.1), dbSNP rs2116049126, ClinGen allele CA367308887.

ClinVar aggregate classification (germline): Uncertain significance (1 of 4 stars; one submission).

Submission:

Greenwood Genetic Center Diagnostic Laboratories, Greenwood Genetic Center
Classification: Uncertain significance. Last evaluated: 2024-01-19. Review status: criteria provided, single submitter. Criteria: ACMG Guidelines, 2015. Collection method: clinical testing. Allele origin: germline. Affected: yes.
Comment: PM2, BP4